The following is an entry in ClinVar:

NM_001611.5(ACP5):c.758T>C (p.Val253Ala)

Gene: ACP5 (acid phosphatase 5, tartrate resistant; minus strand). Cytogenetic location: 19p13.2.
Variant type: single nucleotide variant.
Coding change: c.758T>C on transcript NM_001611.5 (MANE Select); coding-DNA position 758, T replaced by C.
Protein change: p.Val253Ala; replaces valine 253 with alanine.
Molecular consequence: missense variant.
Genome position (GRCh38, 1-based): chr19:11,575,230, A>G on the plus strand (T>C on the coding strand, the complement: ACP5 is on the minus strand). VCF-style: chr19-11575230-A-G. GRCh37 (hg19) VCF-style: chr19-11686045-A-G.
Other names: c.758T>C, p.Val253Ala (NM_001111034.3, NM_001111035.3, NM_001111036.3 and 1 more transcripts); short protein forms V253A.
Identifiers: ClinVar variation 1524240 (VCV001524240.5), dbSNP rs775386822, ClinGen allele CA9215326.

ClinVar aggregate classification (germline): Uncertain significance (1 of 4 stars; one submission).

Conditions:
Spondyloenchondrodysplasia with immune dysregulation (SPENCDI). Also called: COMBINED IMMUNODEFICIENCY WITH AUTOIMMUNITY AND SPONDYLOMETAPHYSEAL DYSPLASIA; ROIFMAN IMMUNOSKELETAL SYNDROME; SPONDYLOENCHONDRODYSPLASIA WITH OR WITHOUT IMMUNE DYSREGULATION. Identifiers: Orphanet 1855, MedGen C1842763, MONDO:0011939, OMIM 607944.

Allele frequency attached by ClinVar (database versions not stated): ExAC 0.00001; gnomAD 0.00001; gnomAD exomes 0.00001 and 0.00002; TOPMed 0.00002.

Submission:

Labcorp Genetics (formerly Invitae), Labcorp
Classification: Uncertain significance for Spondyloenchondrodysplasia with immune dysregulation. Last evaluated: 2022-07-26. Review status: criteria provided, single submitter. Criteria: Invitae Variant Classification Sherloc (09022015). Collection method: clinical testing. Allele origin: germline.
Comment: This sequence change replaces valine, which is neutral and non-polar, with alanine, which is neutral and non-polar, at codon 253 of the ACP5 protein (p.Val253Ala). This variant is present in population databases (rs775386822, gnomAD 0.003%). This variant has not been reported in the literature in individuals affected with ACP5-related conditions. ClinVar contains an entry for this variant (Variation ID: 1524240). Algorithms developed to predict the effect of missense changes on protein structure and function are either unavailable or do not agree on the potential impact of this missense change (SIFT: "Not Available"; PolyPhen-2: "Possibly Damaging"; Align-GVGD: "Not Available"). In summary, the available evidence is currently insufficient to determine the role of this variant in disease. Therefore, it has been classified as a Variant of Uncertain Significance.